The following is an entry in ClinVar:

NM_152703.5(SAMD9L):c.122A>G (p.Glu41Gly)

Gene: SAMD9L (sterile alpha motif domain containing 9 like; minus strand). Cytogenetic location: 7q21.2.
Variant type: single nucleotide variant.
Coding change: c.122A>G on transcript NM_152703.5 (MANE Select); coding-DNA position 122, A replaced by G.
Protein change: p.Glu41Gly; replaces glutamic acid 41 with glycine.
Molecular consequence: missense variant.
Genome position (GRCh38, 1-based): chr7:93,135,850, T>C on the plus strand (A>G on the coding strand, the complement: SAMD9L is on the minus strand). VCF-style: chr7-93135850-T-C. GRCh37 (hg19) VCF-style: chr7-92765163-T-C.
Other names: c.122A>G, p.Glu41Gly (NM_001303496.3, NM_001303497.3, NM_001303498.3 and 5 more transcripts); short protein forms E41G.
Identifiers: ClinVar variation 3792441 (VCV003792441.1).

ClinVar aggregate classification (germline): Uncertain significance (1 of 4 stars; one submission).

Conditions:
Inborn genetic diseases. Identifiers: MedGen C0950123, MeSH D030342.

gnomAD v4.1: 4 of 1,613,916 alleles (0.00025%); highest among the groups gnomAD compares: African/African-American, 0.0053%; no homozygotes.

Submission:

Ambry Genetics
Classification: Uncertain significance for Inborn genetic diseases. Last evaluated: 2025-02-22. Review status: criteria provided, single submitter. Criteria: Ambry Variant Classification Scheme 2023. Collection method: clinical testing. Allele origin: germline.
Comment: The p.E41G variant (also known as c.122A>G), located in coding exon 1 of the SAMD9L gene, results from an A to G substitution at nucleotide position 122. The glutamic acid at codon 41 is replaced by glycine, an amino acid with similar properties. This amino acid position is conserved. In addition, the in silico prediction for this alteration is inconclusive. Based on the available evidence, the clinical significance of this variant remains unclear.